The following is an entry in ClinVar:

ClinVar aggregate classification (germline): Uncertain significance (1 of 4 stars; one submission).

Conditions:
Hereditary cancer-predisposing syndrome. Also called: Neoplastic Syndromes, Hereditary; Tumor predisposition; Hereditary neoplastic syndrome; Hereditary Cancer Syndrome. Identifiers: Orphanet 140162, MedGen C0027672, MeSH D009386, MONDO:0015356.

Submission:

Ambry Genetics
Classification: Uncertain significance for Hereditary cancer-predisposing syndrome. Last evaluated: 2026-08-20. Review status: criteria provided, single submitter. Criteria: Ambry Variant Classification Scheme 2023. Collection method: clinical testing. Allele origin: germline.
Comment: The p.V256L variant (also known as c.766G>C), located in coding exon 4 of the RET gene, results from a G to C substitution at nucleotide position 766. The valine at codon 256 is replaced by leucine, an amino acid with highly similar properties. This amino acid position is conserved. In addition, this alteration is predicted to be tolerated by in silico analysis. Based on the available evidence, the clinical significance of this variant remains unclear.

NM_020975.6(RET):c.766G>C (p.Val256Leu)

Gene: RET (ret proto-oncogene; plus strand). Cytogenetic location: 10q11.21.
Variant type: single nucleotide variant.
Coding change: c.766G>C on transcript NM_020975.6 (MANE Select); coding-DNA position 766, G replaced by C.
Protein change: p.Val256Leu; replaces valine 256 with leucine.
Molecular consequence: missense variant. On other transcripts: intron variant (22).
Genome position (GRCh38, 1-based): chr10:43,105,092, G>C. VCF-style: chr10-43105092-G-C. GRCh37 (hg19) VCF-style: chr10-43600540-G-C.
Other names: c.4G>C, p.Val2Leu (NM_001355216.2); c.766G>C, p.Val256Leu (NM_001406743.1, NM_001406744.1, NM_001406759.1 and 6 more transcripts); c.637G>C, p.Val213Leu (NM_001406761.1, NM_001406762.1, NM_001406764.1 and 2 more transcripts); c.478G>C, p.Val160Leu (NM_001406766.1, NM_001406767.1, NM_001406770.1); c.625+2463G>C (NM_001406773.1, NM_001406771.1, NM_001406782.1 and 5 more transcripts); c.496+2463G>C (NM_001406786.1, NM_001406783.1); c.338-3939G>C (NM_001406778.1, NM_001406775.1, NM_001406776.1 and 1 more transcripts); c.337+4370G>C (NM_001406790.1, NM_001406788.1, NM_001406789.1 and 1 more transcripts); and 2 more; short protein forms V213L, V2L, V256L, V160L.
Identifiers: ClinVar variation 5028209 (VCV005028209.1).